The following is an entry in ClinVar:

ClinVar aggregate classification (germline): Uncertain significance (1 of 4 stars; one submission).

Allele frequency attached by ClinVar (database versions not stated): TOPMed below 0.00001; gnomAD 0.00001; gnomAD exomes 0.00002 and 0.00004; ExAC 0.00007.
gnomAD v4.1: 15 of 1,613,396 alleles (0.00093%); highest among the groups gnomAD compares: East Asian, 0.027%; no homozygotes.

Submission:

Labcorp Genetics (formerly Invitae), Labcorp
Classification: Uncertain significance. Last evaluated: 2021-06-03. Review status: criteria provided, single submitter. Criteria: Invitae Variant Classification Sherloc (09022015). Collection method: clinical testing. Allele origin: germline.
Comment: This sequence change replaces tyrosine with cysteine at codon 199 of the PSMA3 protein (p.Tyr199Cys). The tyrosine residue is highly conserved and there is a large physicochemical difference between tyrosine and cysteine. This variant is present in population databases (rs756789835, ExAC 0.08%). This variant has not been reported in the literature in individuals with PSMA3-related conditions. Algorithms developed to predict the effect of missense changes on protein structure and function (SIFT, PolyPhen-2, Align-GVGD) all suggest that this variant is likely to be disruptive, but these predictions have not been confirmed by published functional studies and their clinical significance is uncertain. In summary, the available evidence is currently insufficient to determine the role of this variant in disease. Therefore, it has been classified as a Variant of Uncertain Significance.

NM_002788.4(PSMA3):c.596A>G (p.Tyr199Cys)

Genes: PSMA3 (proteasome 20S subunit alpha 3; plus strand), PSMA3-AS1 (PSMA3 antisense RNA 1; minus strand). Cytogenetic location: 14q23.1.
Variant type: single nucleotide variant.
Coding change: c.596A>G on transcript NM_002788.4 (MANE Select); coding-DNA position 596, A replaced by G.
Protein change: p.Tyr199Cys; replaces tyrosine 199 with cysteine.
Molecular consequence: missense variant. On other transcripts: non-coding transcript variant (1).
Genome position (GRCh38, 1-based): chr14:58,270,423, A>G. VCF-style: chr14-58270423-A-G. GRCh37 (hg19) VCF-style: chr14-58737141-A-G.
Other names: c.575A>G, p.Tyr192Cys (NM_152132.3); short protein forms Y192C, Y199C.
Identifiers: ClinVar variation 1523750 (VCV001523750.8), dbSNP rs756789835, ClinGen allele CA7203870.